The following is an entry in ClinVar:

ClinVar aggregate classification (germline): Uncertain significance (1 of 4 stars; one submission).

Conditions:
EAST syndrome (SESAMES). Also called: SEIZURES, SENSORINEURAL DEAFNESS, ATAXIA, IMPAIRED INTELLECTUAL DEVELOPMENT, AND ELECTROLYTE IMBALANCE. Identifiers: Orphanet 199343, MedGen C2748572, MONDO:0013005, OMIM 612780.

Submission:

Labcorp Genetics (formerly Invitae), Labcorp
Classification: Uncertain significance for EAST syndrome. Last evaluated: 2022-03-19. Review status: criteria provided, single submitter. Criteria: Invitae Variant Classification Sherloc (09022015). Collection method: clinical testing. Allele origin: germline.
Comment: ClinVar contains an entry for this variant (Variation ID: 1010803). This variant has not been reported in the literature in individuals affected with KCNJ10-related conditions. This variant is not present in population databases (gnomAD no frequency). This sequence change replaces phenylalanine, which is neutral and non-polar, with tyrosine, which is neutral and polar, at codon 160 of the KCNJ10 protein (p.Phe160Tyr). Algorithms developed to predict the effect of missense changes on protein structure and function are either unavailable or do not agree on the potential impact of this missense change (SIFT: "Tolerated"; PolyPhen-2: "Probably Damaging"; Align-GVGD: "Class C0"). In summary, the available evidence is currently insufficient to determine the role of this variant in disease. Therefore, it has been classified as a Variant of Uncertain Significance.

NM_002241.5(KCNJ10):c.479T>A (p.Phe160Tyr)

Gene: KCNJ10 (potassium inwardly rectifying channel subfamily J member 10; minus strand). Cytogenetic location: 1q23.2.
Variant type: single nucleotide variant.
Coding change: c.479T>A on transcript NM_002241.5 (MANE Select); coding-DNA position 479, T replaced by A.
Protein change: p.Phe160Tyr; replaces phenylalanine 160 with tyrosine.
Molecular consequence: missense variant.
Genome position (GRCh38, 1-based): chr1:160,042,054, A>T on the plus strand (T>A on the coding strand, the complement: KCNJ10 is on the minus strand). VCF-style: chr1-160042054-A-T. GRCh37 (hg19) VCF-style: chr1-160011844-A-T.
Other names: short protein forms F160Y.
Identifiers: ClinVar variation 1010803 (VCV001010803.12), dbSNP rs1648619981, ClinGen allele CA343226835.